The following is an entry in ClinVar:

NM_002465.4(MYBPC1):c.1908C>T (p.Ser636=)

Gene: MYBPC1 (myosin binding protein C1; plus strand). Cytogenetic location: 12q23.2.
Variant type: single nucleotide variant.
Coding change: c.1908C>T on transcript NM_002465.4 (MANE Select); coding-DNA position 1908, C replaced by T.
Protein change: p.Ser636=; no amino-acid change (serine 636 retained).
Molecular consequence: synonymous variant.
Genome position (GRCh38, 1-based): chr12:101,659,812, C>T. VCF-style: chr12-101659812-C-T. GRCh37 (hg19) VCF-style: chr12-102053590-C-T.
Other names: c.1833C>T, p.Ser611= (NM_001254718.3, NM_001254719.3, NM_206820.4 and 1 more transcripts); c.1797C>T, p.Ser599= (NM_001254720.3); c.1776C>T, p.Ser592= (NM_001254721.3, NM_001404676.1, NM_001404678.1); c.1755C>T, p.Ser585= (NM_001254722.3, NM_001404680.1); c.1794C>T, p.Ser598= (NM_001254723.3); c.1908C>T, p.Ser636= (NM_001404675.1, NM_206819.4); c.1698C>T, p.Ser566= (NM_001404677.1, NM_001404679.1, NM_001404681.1).
Identifiers: ClinVar variation 1711352 (VCV001711352.30), dbSNP rs148011650, ClinGen allele CA242447185.

ClinVar aggregate classification (germline): Likely benign (1 of 4 stars; one submission).

Allele frequency attached by ClinVar (database versions not stated): gnomAD exomes below 0.00001; gnomAD 0.00001; ESP Exome Variant Server 0.00008.
gnomAD v4.1: 8 of 1,614,002 alleles (0.0005%); highest among the groups gnomAD compares: Non-Finnish European, 0.00059%; no homozygotes.

Submission:

CeGaT Center for Human Genetics Tuebingen
Classification: Likely benign. Last evaluated: 2026-06-01. Review status: criteria provided, single submitter. Criteria: CeGaT Center For Human Genetics Tuebingen Variant Classification Criteria Version 2. Collection method: clinical testing. Allele origin: germline. Affected: yes. Observed: 1 variant allele.
Comment: MYBPC1: BP4, BP7